The following is an entry in ClinVar:

ClinVar aggregate classification (germline): Uncertain significance (1 of 4 stars; one submission).

Conditions:
Muscular dystrophy-dystroglycanopathy (congenital with brain and eye anomalies), type a, 12 (MDDGA12). Also called: WALKER-WARBURG SYNDROME OR MUSCLE-EYE-BRAIN DISEASE, POMK-RELATED. Identifiers: Orphanet 899, MedGen C3808964, MONDO:0014101, OMIM 615249.
Limb-girdle muscular dystrophy due to POMK deficiency. Also called: Muscular dystrophy-dystroglycanopathy (limb-girdle), type c, 12; MUSCULAR DYSTROPHY-DYSTROGLYCANOPATHY, LIMB-GIRDLE, POMK-RELATED. Identifiers: Orphanet 445110, MedGen C4015184, MONDO:0014489, OMIM 616094.

Submission:

Labcorp Genetics (formerly Invitae), Labcorp
Classification: Uncertain significance for Muscular dystrophy-dystroglycanopathy (congenital with brain and eye anomalies), type a, 12; Limb-girdle muscular dystrophy due to POMK deficiency. Last evaluated: 2020-04-30. Review status: criteria provided, single submitter. Criteria: Invitae Variant Classification Sherloc (09022015). Collection method: clinical testing. Allele origin: germline.
Comment: In summary, the available evidence is currently insufficient to determine the role of this variant in disease. Therefore, it has been classified as a Variant of Uncertain Significance. Algorithms developed to predict the effect of missense changes on protein structure and function are either unavailable or do not agree on the potential impact of this missense change (SIFT: "Deleterious"; PolyPhen-2: "Possibly Damaging"; Align-GVGD: "Class C0"). This variant has not been reported in the literature in individuals with POMK-related conditions. This variant is not present in population databases (ExAC no frequency). This sequence change replaces leucine with proline at codon 25 of the POMK protein (p.Leu25Pro). The leucine residue is moderately conserved and there is a moderate physicochemical difference between leucine and proline.

NM_032237.5(POMK):c.74T>C (p.Leu25Pro)

Gene: POMK (protein O-mannose kinase; plus strand). Cytogenetic location: 8p11.21.
Variant type: single nucleotide variant.
Coding change: c.74T>C on transcript NM_032237.5 (MANE Select); coding-DNA position 74, T replaced by C.
Protein change: p.Leu25Pro; replaces leucine 25 with proline.
Molecular consequence: missense variant.
Genome position (GRCh38, 1-based): chr8:43,103,622, T>C. VCF-style: chr8-43103622-T-C. GRCh37 (hg19) VCF-style: chr8-42958765-T-C.
Other names: c.74T>C, p.Leu25Pro (NM_001277971.2); short protein forms L25P.
Identifiers: ClinVar variation 1021068 (VCV001021068.5), dbSNP rs1811488354, ClinGen allele CA371116692.